The following is an entry in ClinVar:

ClinVar aggregate classification (germline): Pathogenic. Review status: criteria provided, multiple submitters, no conflicts (2 of 4 stars). 4 submissions from 4 submitters: Pathogenic (4). Last evaluated 2023-12-17.

Conditions:
Severe X-linked myotubular myopathy (CNMX). Also called: MYOTUBULAR MYOPATHY 1; Myotubular myopathy, X-linked; X-linked centronuclear myopathy. Identifiers: Orphanet 596, MedGen C0410203, MONDO:0010683, OMIM 310400.

Submissions (4):

GeneDx
Classification: Pathogenic. Last evaluated: 2023-12-17. Review status: criteria provided, single submitter. Criteria: GeneDx Variant Classification Process June 2021. Collection method: clinical testing. Allele origin: germline. Affected: yes.
Comment: Nonsense variant predicted to result in protein truncation or nonsense mediated decay in a gene for which loss-of-function is a known mechanism of disease; Not observed at significant frequency in large population cohorts (gnomAD); This variant is associated with the following publications: (PMID: 25525159, 34011573, 29687370, 9305655, 15725586, 12522554, 10790201, 20358311)

Labcorp Genetics (formerly Invitae), Labcorp
Classification: Pathogenic for Severe X-linked myotubular myopathy. Last evaluated: 2022-06-28. Review status: criteria provided, single submitter. Criteria: Invitae Variant Classification Sherloc (09022015). Collection method: clinical testing. Allele origin: germline.
Comment: This sequence change creates a premature translational stop signal (p.Arg24*) in the MTM1 gene. It is expected to result in an absent or disrupted protein product. Loss-of-function variants in MTM1 are known to be pathogenic (PMID: 9305655, 10063835). This variant is not present in population databases (gnomAD no frequency). This premature translational stop signal has been observed in individuals with X-linked myotubular myopathy (PMID: 9305655, 20358311). This variant is also known as c.124C>T. ClinVar contains an entry for this variant (Variation ID: 92678). For these reasons, this variant has been classified as Pathogenic.

Genetic Services Laboratory, University of Chicago
Classification: Pathogenic. Last evaluated: 2018-03-29. Review status: criteria provided, single submitter. Criteria: ACMG Guidelines, 2015. Collection method: clinical testing. Allele origin: germline. Affected: yes.

Eurofins Ntd Llc (ga)
Classification: Pathogenic. Last evaluated: 2013-02-27. Review status: criteria provided, single submitter. Criteria: EGL Classification Definitions. Collection method: clinical testing. Allele origin: germline. Observed: 1 variant allele, 1 hemizygote.

Literature cited by the submitters: PubMed 9305655 (cited by Labcorp Genetics (formerly Invitae), Labcorp); PubMed 10063835 (cited by Labcorp Genetics (formerly Invitae), Labcorp); PubMed 20358311 (cited by Labcorp Genetics (formerly Invitae), Labcorp).

NM_000252.3(MTM1):c.70C>T (p.Arg24Ter)

Gene: MTM1 (myotubularin 1; plus strand). Cytogenetic location: Xq28.
Variant type: single nucleotide variant.
Coding change: c.70C>T on transcript NM_000252.3 (MANE Select); coding-DNA position 70, C replaced by T.
Protein change: p.Arg24Ter; replaces arginine 24 with a stop codon.
Molecular consequence: nonsense.
Genome position (GRCh38, 1-based): chrX:150,596,504, C>T. VCF-style: chrX-150596504-C-T. GRCh37 (hg19) VCF-style: chrX-149764968-C-T.
Other names: NP_000243.1:p.Arg24*; c.70C>T, p.Arg24Ter (NM_001376906.1, NM_001376907.1, NM_001376908.1); short protein forms R24*.
Identifiers: ClinVar variation 92678 (VCV000092678.19), dbSNP rs398123275, ClinGen allele CA220544.